The following is an entry in ClinVar:

NM_020191.4(MRPS22):c.992_993del (p.Phe331fs)

Gene: MRPS22 (mitochondrial ribosomal protein S22; plus strand). Cytogenetic location: 3q23.
Variant type: Deletion.
Coding change: c.992_993del on transcript NM_020191.4 (MANE Select); coding-DNA positions 992 to 993, 2 bases deleted (TT; older notation c.992_993delTT).
Protein change: p.Phe331fs; shifts the reading frame from phenylalanine 331.
Molecular consequence: frameshift variant.
Genome position (GRCh38, 1-based): chr3:139,356,923-139,356,924, TT deleted; deleting any 2 consecutive bases within chr3:139,356,922-139,356,924 gives the same sequence; the c. name uses the placement nearest the transcript's 3' end. VCF-style (leftmost placement, unchanged base first): chr3-139356921-CTT-C. GRCh37 (hg19) VCF-style: chr3-139075763-CTT-C.
Other names: c.869_870del, p.Phe290fs (NM_001363857.1); c.989_990del, p.Phe330fs (NM_001363893.1); short protein forms F290fs, F330fs, F331fs.
Identifiers: ClinVar variation 1806198 (VCV001806198.1), dbSNP rs771036052, ClinGen allele CA2640904.

ClinVar aggregate classification (germline): Likely pathogenic (1 of 4 stars; one submission).

Conditions:
Hypotonia with lactic acidemia and hyperammonemia. Identifiers: Orphanet 137908, MedGen C2673642, MONDO:0012718, OMIM 611719.

Submission:

Victorian Clinical Genetics Services, Murdoch Childrens Research Institute
Classification: Likely pathogenic for Hypotonia with lactic acidemia and hyperammonemia. Last evaluated: 2021-05-06. Review status: criteria provided, single submitter. Criteria: ACMG Guidelines, 2015. Collection method: clinical testing. Allele origin: germline. Inheritance: Autosomal recessive inheritance.
Comment: Based on the classification scheme VCGS_Germline_v1.3.4, this variant is classified as Likely pathogenic. Following criteria are met: 0102 - Loss of function is a known mechanism of disease in this gene and is associated with combined oxidative phosphorylation deficiency 5 (MIM#611719) and ovarian dysgenesis 7 (MIIM#618117). (I) 0106 - This gene is associated with autosomal recessive disease. (I) 0208 - Variant is predicted to result in an elongated protein. (SP) 0251 - This variant is heterozygous. (I) 0304 - Variant is present in gnomAD (v3) <0.01 for a recessive condition (3 heterozygotes, 0 homozygotes). (SP) 0604 - Variant is not located in an established domain, motif, hotspot or informative constraint region. (I) 0704 - Another elongation variant comparable to the one identified in this case has limited previous evidence for pathogenicity. This variant p.(Leu346Asnfs*21) has been reported as a VUS, but more commonly as pathogenic, and has been observed in multiple individuals (homozygous and compound heterozygous) with combined oxidative phosphorylation deficiency, fatal neonatal lactic acidosis with brain and heart abnormalities, or mitochondrial disease (ClinVar, LOVD, PMID: 25663021, PMID: 31683770). (SP) 0807 - This variant has no previous evidence of pathogenicity. (I) 0905 - No published segregation evidence has been identified for this variant. (I) 1007 - No published functional evidence has been identified for this variant. (I) Legend: (SP) - Supporting pathogenic, (I) - Information, (SB) - Supporting benign

Literature cited by the submitters: PubMed 25663021; PubMed 31683770.